The following is an entry in ClinVar:

ClinVar aggregate classification (germline): Uncertain significance (1 of 4 stars; one submission).

Allele frequency attached by ClinVar (database versions not stated): TOPMed 0.00001; gnomAD 0.00002; gnomAD exomes 0.00002.
gnomAD v4.1: 38 of 1,591,502 alleles (0.0024%); highest among the groups gnomAD compares: Non-Finnish European, 0.003%; no homozygotes.

Submission:

Labcorp Genetics (formerly Invitae), Labcorp
Classification: Uncertain significance. Last evaluated: 2025-05-22. Review status: criteria provided, single submitter. Criteria: Invitae Variant Classification Sherloc (09022015). Collection method: clinical testing. Allele origin: germline.
Comment: This sequence change falls in intron 27 of the AP3D1 gene. It does not directly change the encoded amino acid sequence of the AP3D1 protein. It affects a nucleotide within the consensus splice site. This variant is present in population databases (no rsID available, gnomAD 0.01%). This variant has not been reported in the literature in individuals affected with AP3D1-related conditions. ClinVar contains an entry for this variant (Variation ID: 3009833). Variants that disrupt the consensus splice site are a relatively common cause of aberrant splicing (PMID: 17576681, 9536098). Algorithms developed to predict the effect of sequence changes on RNA splicing suggest that this variant is not likely to affect RNA splicing. In summary, the available evidence is currently insufficient to determine the role of this variant in disease. Therefore, it has been classified as a Variant of Uncertain Significance.

Literature cited by the submitters: PubMed 17576681; PubMed 9536098.

NM_001261826.3(AP3D1):c.3175+4A>G

Gene: AP3D1 (adaptor related protein complex 3 subunit delta 1; minus strand). Cytogenetic location: 19p13.3.
Variant type: single nucleotide variant.
Coding change: c.3175+4A>G on transcript NM_001261826.3 (MANE Select); 4 bases into the intron after coding-DNA position 3175, A replaced by G.
Molecular consequence: intron variant.
Genome position (GRCh38, 1-based): chr19:2,110,703, T>C on the plus strand (A>G on the coding strand, the complement: AP3D1 is on the minus strand). VCF-style: chr19-2110703-T-C. GRCh37 (hg19) VCF-style: chr19-2110702-T-C.
Other names: c.2989+4A>G (NM_003938.8); c.3139+4A>G (NM_001374799.1).
Identifiers: ClinVar variation 3009833 (VCV003009833.3), dbSNP rs1236602212, ClinGen allele CA631077340.